The following is an entry in ClinVar:

ClinVar aggregate classification (germline): Benign/Likely benign. Review status: criteria provided, multiple submitters, no conflicts (2 of 4 stars). 3 submissions from 3 submitters: Benign (1); Likely benign (2). Last evaluated 2025-12-29.

Conditions:
Hereditary cancer-predisposing syndrome. Also called: Neoplastic Syndromes, Hereditary; Tumor predisposition; Hereditary Cancer Syndrome; Hereditary neoplastic syndrome. Identifiers: Orphanet 140162, MedGen C0027672, MeSH D009386, MONDO:0015356.
Familial cancer of breast. Also called: BREAST CANCER, FAMILIAL; Hereditary breast cancer; hereditary breast carcinoma. Identifiers: Orphanet 227535, MedGen C0346153, MONDO:0016419, OMIM 114480. Disease mechanism: loss of function.

Submissions (3):

Ambry Genetics
Classification: Likely benign for Hereditary cancer-predisposing syndrome. Last evaluated: 2025-12-29. Review status: criteria provided, single submitter. Criteria: Ambry Variant Classification Scheme 2023. Collection method: clinical testing. Allele origin: germline.

Myriad Genetics, Inc.
Classification: Benign for Familial cancer of breast. Last evaluated: 2025-01-14. Review status: criteria provided, single submitter. Criteria: Myriad Autosomal Dominant, Autosomal Recessive and X-Linked Classification Criteria (2023). Collection method: clinical testing. Allele origin: unknown.
Comment: This variant is considered benign. This variant is a silent/synonymous amino acid change and it is not expected to impact splicing.

Labcorp Genetics (formerly Invitae), Labcorp
Classification: Likely benign for Familial cancer of breast. Last evaluated: 2021-12-23. Review status: criteria provided, single submitter. Criteria: Invitae Variant Classification Sherloc (09022015). Collection method: clinical testing. Allele origin: germline.

NM_024675.4(PALB2):c.1515C>G (p.Ala505=)

Gene: PALB2 (partner and localizer of BRCA2; minus strand). Cytogenetic location: 16p12.2.
Variant type: single nucleotide variant.
Coding change: c.1515C>G on transcript NM_024675.4 (MANE Select); coding-DNA position 1515, C replaced by G.
Protein change: p.Ala505=; no amino-acid change (alanine 505 retained).
Molecular consequence: synonymous variant. On other transcripts: intron variant (3).
Genome position (GRCh38, 1-based): chr16:23,635,031, G>C on the plus strand (C>G on the coding strand, the complement: PALB2 is on the minus strand). VCF-style: chr16-23635031-G-C. GRCh37 (hg19) VCF-style: chr16-23646352-G-C.
Other names: c.1455C>G, p.Ala485= (NM_001407296.1); c.1515C>G, p.Ala505= (NM_001407297.1, NM_001407298.1, NM_001407299.1 and 3 more transcripts); c.630C>G, p.Ala210= (NM_001407304.1, NM_001407305.1, NM_001407306.1 and 5 more transcripts); c.49-5756C>G (NM_001407314.1); c.-104-4562C>G (NM_001407313.1, NM_001407312.1).
Identifiers: ClinVar variation 2056072 (VCV002056072.6), dbSNP rs745837198, ClinGen allele CA494461320.